The following is an entry in ClinVar:

NM_014208.3(DSPP):c.1820G>A (p.Ser607Asn)

Genes: DMP1-AS1 (DMP1 and DSPP antisense RNA 1; minus strand), DSPP (dentin sialophosphoprotein; plus strand). Cytogenetic location: 4q22.1.
Variant type: single nucleotide variant.
Coding change: c.1820G>A on transcript NM_014208.3 (MANE Select); coding-DNA position 1820, G replaced by A.
Protein change: p.Ser607Asn; replaces serine 607 with asparagine.
Molecular consequence: missense variant.
Genome position (GRCh38, 1-based): chr4:87,614,482, G>A. VCF-style: chr4-87614482-G-A. GRCh37 (hg19) VCF-style: chr4-88535634-G-A.
Other names: short protein forms S607N.
Identifiers: ClinVar variation 4853489 (VCV004853489.1).

ClinVar aggregate classification (germline): Uncertain significance (1 of 4 stars; one submission).

gnomAD v4.1: 4 of 1,551,680 alleles (0.00026%); highest among the groups gnomAD compares: Non-Finnish European, 0.00035%; no homozygotes.

Submission:

Women's Health and Genetics/Laboratory Corporation of America, LabCorp
Classification: Uncertain significance. Last evaluated: 2026-05-07. Review status: criteria provided, single submitter. Criteria: LabCorp Variant Classification Summary - May 2015. Collection method: clinical testing. Allele origin: germline.
Comment: Variant summary: DSPP c.1820G>A (p.Ser607Asn) results in a conservative amino acid change in the encoded protein sequence. Algorithms developed to predict the effect of missense changes on protein structure and function all suggest that this variant is likely to be tolerated. The variant was absent in 151052 control chromosomes. The available data on variant occurrences in the general population are insufficient to allow any conclusion about variant significance. To our knowledge, no occurrence of c.1820G>A in individuals affected with DSPP-related conditions and no experimental evidence demonstrating its impact on protein function have been reported. No submitters have cited clinical-significance assessments for this variant to ClinVar. Based on the evidence outlined above, the variant was classified as uncertain significance.